The following is an entry in ClinVar:

ClinVar aggregate classification (germline): Uncertain significance (1 of 4 stars; one submission).

Conditions:
Desmin-related myofibrillar myopathy (MFM1). Also called: MYOFIBRILLAR MYOPATHY WITH ARRHYTHMOGENIC RIGHT VENTRICULAR CARDIOMYOPATHY; DESMIN-RELATED MYOPATHY WITH ARRHYTHMOGENIC RIGHT VENTRICULAR CARDIOMYOPATHY; Myofibrillar myopathy 1; Desminopathy; Desmin related myopathy (former name); Desmin storage myopathy (former name). Identifiers: Orphanet 363543, Orphanet 98909, MedGen C1832370, MONDO:0011076, OMIM 601419.

Submission:

Labcorp Genetics (formerly Invitae), Labcorp
Classification: Uncertain significance for Desmin-related myofibrillar myopathy. Last evaluated: 2019-11-25. Review status: criteria provided, single submitter. Criteria: Invitae Variant Classification Sherloc (09022015). Collection method: clinical testing. Allele origin: germline.
Comment: This sequence change replaces glutamic acid with aspartic acid at codon 373 of the DES protein (p.Glu373Asp). The glutamic acid residue is highly conserved and there is a small physicochemical difference between glutamic acid and aspartic acid. In summary, the available evidence is currently insufficient to determine the role of this variant in disease. Therefore, it has been classified as a Variant of Uncertain Significance. Algorithms developed to predict the effect of missense changes on protein structure and function (SIFT, PolyPhen-2, Align-GVGD) all suggest that this variant is likely to be tolerated, but these predictions have not been confirmed by published functional studies and their clinical significance is uncertain. This variant has not been reported in the literature in individuals with DES-related conditions. This variant is not present in population databases (ExAC no frequency).

NM_001927.4(DES):c.1119A>C (p.Glu373Asp)

Gene: DES (desmin; plus strand). Cytogenetic location: 2q35.
Variant type: single nucleotide variant.
Coding change: c.1119A>C on transcript NM_001927.4 (MANE Select); coding-DNA position 1119, A replaced by C.
Protein change: p.Glu373Asp; replaces glutamic acid 373 with aspartic acid.
Molecular consequence: missense variant.
Genome position (GRCh38, 1-based): chr2:219,421,435, A>C. VCF-style: chr2-219421435-A-C. GRCh37 (hg19) VCF-style: chr2-220286157-A-C.
Other names: short protein forms E373D.
Identifiers: ClinVar variation 853876 (VCV000853876.10), dbSNP rs780628142, ClinGen allele CA350694351.